The following is an entry in ClinVar:

ClinVar aggregate classification (germline): Uncertain significance. Review status: criteria provided, multiple submitters, no conflicts (2 of 4 stars). 2 submissions from 2 submitters: Uncertain significance (2). Last evaluated 2026-01-26.

Conditions:
Cardiovascular phenotype. Identifiers: MedGen CN230736.

Allele frequency attached by ClinVar (database versions not stated): gnomAD exomes below 0.00001; gnomAD 0.00001; TOPMed 0.00001.
gnomAD v4.1: 5 of 1,613,766 alleles (0.00031%); highest among the groups gnomAD compares: African/African-American, 0.0013%; no homozygotes.

Submissions (2):

Women's Health and Genetics/Laboratory Corporation of America, LabCorp
Classification: Uncertain significance. Last evaluated: 2026-01-26. Review status: criteria provided, single submitter. Criteria: LabCorp Variant Classification Summary - May 2015. Collection method: clinical testing. Allele origin: germline.
Comment: Variant summary: TNXB c.6001G>C (p.Asp2001His) results in a non-conservative amino acid change in the encoded protein sequence. Algorithms developed to predict the effect of missense changes on protein structure and function are either unavailable or do not agree on the potential impact of this missense change. The variant was absent in 249126 control chromosomes. The available data on variant occurrences in the general population are insufficient to allow any conclusion about variant significance. To our knowledge, no occurrence of c.6001G>C in individuals affected with TNXB-related conditions and no experimental evidence demonstrating its impact on protein function have been reported. ClinVar contains an entry for this variant (Variation ID: 2451137). Based on the evidence outlined above, the variant was classified as uncertain significance.

Ambry Genetics
Classification: Uncertain significance for Cardiovascular phenotype. Last evaluated: 2025-10-29. Review status: criteria provided, single submitter. Criteria: Ambry Variant Classification Scheme 2023. Collection method: clinical testing. Allele origin: germline.

NM_001365276.2(TNXB):c.6001G>C (p.Asp2001His)

Gene: TNXB (tenascin XB; minus strand). Cytogenetic location: 6p21.33.
Variant type: single nucleotide variant.
Coding change: c.6001G>C on transcript NM_001365276.2 (MANE Select); coding-DNA position 6001, G replaced by C.
Protein change: p.Asp2001His; replaces aspartic acid 2001 with histidine.
Molecular consequence: missense variant.
Genome position (GRCh38, 1-based): chr6:32,068,609, C>G on the plus strand (G>C on the coding strand, the complement: TNXB is on the minus strand). VCF-style: chr6-32068609-C-G. GRCh37 (hg19) VCF-style: chr6-32036386-C-G.
Other names: c.6001G>C, p.Asp2001His (NM_019105.8); short protein forms D2001H.
Identifiers: ClinVar variation 2451137 (VCV002451137.4), dbSNP rs200135262, ClinGen allele CA136886733.